The following is an entry in ClinVar:

ClinVar aggregate classification (germline): Uncertain significance. Review status: criteria provided, single submitter (1 of 4 stars). 2 submissions from 2 submitters: Uncertain significance (1). 1 of the submissions does not count toward it. Last evaluated 2019-09-12.

Conditions:
POLE-related disorder. Also called: POLE-related disorders; POLE-related condition.

Submissions (2):

Labcorp Genetics (formerly Invitae), Labcorp
Classification: Uncertain significance. Last evaluated: 2019-09-12. Review status: criteria provided, single submitter. Criteria: Invitae Variant Classification Sherloc (09022015). Collection method: clinical testing. Allele origin: germline.
Comment: In summary, the available evidence is currently insufficient to determine the role of this variant in disease. Therefore, it has been classified as a Variant of Uncertain Significance. Algorithms developed to predict the effect of missense changes on protein structure and function (SIFT, PolyPhen-2, Align-GVGD) all suggest that this variant is likely to be disruptive, but these predictions have not been confirmed by published functional studies and their clinical significance is uncertain. This variant has not been reported in the literature in individuals with POLE-related conditions. This variant is not present in population databases (ExAC no frequency). This sequence change replaces isoleucine with valine at codon 1124 of the POLE protein (p.Ile1124Val). The isoleucine residue is highly conserved and there is a small physicochemical difference between isoleucine and valine.

PreventionGenetics, part of Exact Sciences
Classification: Uncertain significance for POLE-related condition. Last evaluated: 2023-12-19. Review status: no assertion criteria provided. Collection method: clinical testing. Allele origin: germline. Not counted in ClinVar's aggregate classification.
Comment: The POLE c.3370A>G variant is predicted to result in the amino acid substitution p.Ile1124Val. To our knowledge, this variant has not been reported in the literature or in a large population database, indicating this variant is rare. It is interpreted as uncertain significance in ClinVar. At this time, the clinical significance of this variant is uncertain due to the absence of conclusive functional and genetic evidence.

NM_006231.4(POLE):c.3370A>G (p.Ile1124Val)

Gene: POLE (DNA polymerase epsilon, catalytic subunit; minus strand). Cytogenetic location: 12q24.33.
Variant type: single nucleotide variant.
Coding change: c.3370A>G on transcript NM_006231.4 (MANE Select); coding-DNA position 3370, A replaced by G.
Protein change: p.Ile1124Val; replaces isoleucine 1124 with valine.
Molecular consequence: missense variant.
Genome position (GRCh38, 1-based): chr12:132,657,876, T>C on the plus strand (A>G on the coding strand, the complement: POLE is on the minus strand). VCF-style: chr12-132657876-T-C. GRCh37 (hg19) VCF-style: chr12-133234462-T-C.
Other names: short protein forms I1124V.
Identifiers: ClinVar variation 943597 (VCV000943597.11), dbSNP rs2042580779, ClinGen allele CA387389588.